The following is an entry in ClinVar:

NM_000163.5(GHR):c.1702A>G (p.Thr568Ala)

Gene: GHR (growth hormone receptor; plus strand). Cytogenetic location: 5p12.
Variant type: single nucleotide variant.
Coding change: c.1702A>G on transcript NM_000163.5 (MANE Select); coding-DNA position 1702, A replaced by G.
Protein change: p.Thr568Ala; replaces threonine 568 with alanine.
Molecular consequence: missense variant. On other transcripts: 3 prime UTR variant (1).
Genome position (GRCh38, 1-based): chr5:42,719,209, A>G. VCF-style: chr5-42719209-A-G. GRCh37 (hg19) VCF-style: chr5-42719311-A-G.
Other names: c.1723A>G, p.Thr575Ala (NM_001242399.2); c.1702A>G, p.Thr568Ala (NM_001242400.2, NM_001242401.4, NM_001242402.2 and 4 more transcripts); c.1636A>G, p.Thr546Ala (NM_001242460.2); c.*744A>G (NM_001242462.1); short protein forms T546A, T568A, T575A.
Identifiers: ClinVar variation 2428887 (VCV002428887.3), dbSNP rs769394931, ClinGen allele CA3254699.

ClinVar aggregate classification (germline): Uncertain significance (1 of 4 stars; one submission).

Allele frequency attached by ClinVar (database versions not stated): ExAC 0.00001.
gnomAD v4.1: 7 of 1,614,114 alleles (0.00043%); highest among the groups gnomAD compares: Non-Finnish European, 0.00059%; no homozygotes.

Submission:

GeneDx
Classification: Uncertain significance. Last evaluated: 2022-08-01. Review status: criteria provided, single submitter. Criteria: GeneDx Variant Classification Process June 2021. Collection method: clinical testing. Allele origin: germline. Affected: yes.
Comment: In silico analysis supports that this missense variant has a deleterious effect on protein structure/function; Has not been previously published as pathogenic or benign to our knowledge